The following is an entry in ClinVar:

ClinVar aggregate classification (germline): Likely benign (1 of 4 stars; one submission).

gnomAD v4.1: 4 of 1,613,630 alleles (0.00025%); highest among the groups gnomAD compares: Non-Finnish European, 0.00034%; no homozygotes.

Submission:

Mayo Clinic Laboratories, Mayo Clinic
Classification: Likely benign. Last evaluated: 2025-09-06. Review status: criteria provided, single submitter. Criteria: ACMG Guidelines, 2015. Collection method: clinical testing. Allele origin: germline. Observed: 1 variant allele.
Comment: BP4, BP7

NM_016614.3(TDP2):c.285C>T (p.Ser95=)

Gene: TDP2 (tyrosyl-DNA phosphodiesterase 2; minus strand). Cytogenetic location: 6p22.3.
Variant type: single nucleotide variant.
Coding change: c.285C>T on transcript NM_016614.3 (MANE Select); coding-DNA position 285, C replaced by T.
Protein change: p.Ser95=; no amino-acid change (serine 95 retained).
Molecular consequence: synonymous variant.
Genome position (GRCh38, 1-based): chr6:24,658,701, G>A on the plus strand (C>T on the coding strand, the complement: TDP2 is on the minus strand). VCF-style: chr6-24658701-G-A. GRCh37 (hg19) VCF-style: chr6-24658929-G-A.
Other names: p.Ser95=.
Identifiers: ClinVar variation 4684910 (VCV004684910.1).